The following is an entry in ClinVar:

ClinVar aggregate classification (germline): Pathogenic. Review status: criteria provided, multiple submitters, no conflicts (2 of 4 stars). 2 submissions from 2 submitters: Pathogenic (2). Last evaluated 2025-12-31.

Submissions (2):

Labcorp Genetics (formerly Invitae), Labcorp
Classification: Pathogenic. Last evaluated: 2025-12-31. Review status: criteria provided, single submitter. Criteria: Invitae Variant Classification Sherloc (09022015). Collection method: clinical testing. Allele origin: germline.
Comment: This sequence change creates a premature translational stop signal (p.Asp65Glufs*51) in the CDHR1 gene. It is expected to result in an absent or disrupted protein product. Loss-of-function variants in CDHR1 are known to be pathogenic (PMID: 23044944, 23591405, 26103963, 26261414). This variant is present in population databases (rs749926328, gnomAD 0.0009%). This variant has not been reported in the literature in individuals affected with CDHR1-related conditions. ClinVar contains an entry for this variant (Variation ID: 966264). For these reasons, this variant has been classified as Pathogenic.

Institute of Medical Genetics and Applied Genomics, University Hospital Tübingen
Classification: Pathogenic. Last evaluated: 2021-06-17. Review status: criteria provided, single submitter. Criteria: ACMG Guidelines, 2015. Collection method: clinical testing. Allele origin: germline. Inheritance: Autosomal recessive inheritance. Affected: yes.

Literature cited by the submitters: PubMed 23044944 (cited by Labcorp Genetics (formerly Invitae), Labcorp); PubMed 23591405 (cited by Labcorp Genetics (formerly Invitae), Labcorp); PubMed 26103963 (cited by Labcorp Genetics (formerly Invitae), Labcorp); PubMed 26261414 (cited by Labcorp Genetics (formerly Invitae), Labcorp).

NM_033100.4(CDHR1):c.193_194dup (p.Asp65fs)

Gene: CDHR1 (cadherin related family member 1; plus strand). Cytogenetic location: 10q23.1.
Variant type: Microsatellite.
Coding change: c.193_194dup on transcript NM_033100.4 (MANE Select); coding-DNA positions 193 to 194, 2 bases duplicated (GA; older notation c.193_194dupGA).
Protein change: p.Asp65fs; shifts the reading frame from aspartic acid 65.
Molecular consequence: frameshift variant.
Genome position (GRCh38, 1-based): chr10:84,196,546-84,196,547, GA duplicated; duplicating any 2 consecutive bases within chr10:84,196,544-84,196,547 gives the same sequence; the c. name uses the placement nearest the transcript's 3' end. VCF-style (leftmost placement, unchanged base first): chr10-84196543-G-GGA. GRCh37 (hg19) VCF-style: chr10-85956299-G-GGA.
Other names: c.193_194dup, p.Asp65fs (NM_001171971.3); short protein forms D65fs.
Identifiers: ClinVar variation 966264 (VCV000966264.9), dbSNP rs749926328, ClinGen allele CA5579461.